The following is an entry in ClinVar:

NM_003052.5(SLC34A1):c.284G>A (p.Arg95His)

Gene: SLC34A1 (solute carrier family 34 member 1; plus strand). Cytogenetic location: 5q35.3.
Variant type: single nucleotide variant.
Coding change: c.284G>A on transcript NM_003052.5 (MANE Select); coding-DNA position 284, G replaced by A.
Protein change: p.Arg95His; replaces arginine 95 with histidine.
Molecular consequence: missense variant.
Genome position (GRCh38, 1-based): chr5:177,386,245, G>A. VCF-style: chr5-177386245-G-A. GRCh37 (hg19) VCF-style: chr5-176813246-G-A.
Other names: c.284G>A, p.Arg95His (NM_001167579.2); short protein forms R95H.
Identifiers: ClinVar variation 252613 (VCV000252613.45), dbSNP rs145798898, ClinGen allele CA3580332.
Genomic context (GRCh38, chr5:177,386,245, plus strand): 5'-CCTCTGCCCACTATGCTCATGGCTTCCCCCATCCAGAGTCCAGGCTGGTCCCCAAGCTGC[G>A]CCAGGCTGGCGCCATGCTGCTCAAGGTGCCACTGATGCTCACCTTCCTCTACCTCTTCGT-3'
Protein context (NP_003043.3, residues 85-105): KPESRLVPKL[Arg95His]QAGAMLLKVP

ClinVar aggregate classification (germline): Benign/Likely benign. Review status: criteria provided, multiple submitters, no conflicts (2 of 4 stars). 9 submissions from 9 submitters: Benign (3); Likely benign (3). 3 of the submissions do not count toward it. Last evaluated 2026-02-01.

Conditions:
SLC34A1-related disorder. Also called: SLC34A1-related condition; SLC34A1-related disorders.
Decreased total neutrophil count. Also called: Neutropenia. Identifiers: MedGen C0853697, MONDO:0001475, HP:0001875.
Decreased total lymphocyte count. Also called: Lymphopenia. Identifiers: MedGen C0024312, MONDO:0003783, HP:0001888.
Hypophosphatemic nephrolithiasis/osteoporosis 1. Identifiers: Orphanet 244305, MedGen C2676786, MONDO:0012850, OMIM 612286.

Allele frequency attached by ClinVar (database versions not stated): gnomAD 0.00188; TOPMed 0.00240; ESP Exome Variant Server 0.00300.
gnomAD v4.1: 6,300 of 1,544,330 alleles (0.41%); highest among the groups gnomAD compares: Non-Finnish European, 0.5%; 15 homozygotes.

Submissions (9):

CeGaT Center for Human Genetics Tuebingen
Classification: Likely benign. Last evaluated: 2026-02-01. Review status: criteria provided, single submitter. Criteria: CeGaT Center For Human Genetics Tuebingen Variant Classification Criteria Version 2. Collection method: clinical testing. Allele origin: germline. Affected: yes. Observed: 4 variant alleles.
Comment: SLC34A1: BP4, BS2

Labcorp Genetics (formerly Invitae), Labcorp
Classification: Benign. Last evaluated: 2026-01-12. Review status: criteria provided, single submitter. Criteria: Invitae Variant Classification Sherloc (09022015). Collection method: clinical testing. Allele origin: germline.

GeneDx
Classification: Likely benign. Last evaluated: 2020-11-11. Review status: criteria provided, single submitter. Criteria: GeneDx Variant Classification Process June 2021. Collection method: clinical testing. Allele origin: germline. Affected: yes.

Illumina Laboratory Services, Illumina
Classification: Benign for Hypophosphatemic nephrolithiasis/osteoporosis 1. Last evaluated: 2018-01-12. Review status: criteria provided, single submitter. Criteria: ICSL Variant Classification Criteria 13 December 2019. Collection method: clinical testing. Allele origin: germline.
Comment: This variant was observed in the ICSL laboratory as part of a predisposition screen in an ostensibly healthy population. It had not been previously curated by ICSL or reported in the Human Gene Mutation Database (HGMD: prior to June 1st, 2018), and was therefore a candidate for classification through an automated scoring system. Utilizing variant allele frequency, disease prevalence and penetrance estimates, and inheritance mode, an automated score was calculated to assess if this variant is too frequent to cause the disease. Based on the score and internal cut-off values, a variant classified as benign is not then subjected to further curation. The score for this variant resulted in a classification of benign for this disease.

Genomic Diagnostic Laboratory, Division of Genomic Diagnostics, Children's Hospital of Philadelphia
Classification: Benign. Last evaluated: 2015-09-03. Review status: criteria provided, single submitter. Criteria: DGD Variant Analysis Guidelines. Collection method: clinical testing. Allele origin: unknown.

Breakthrough Genomics
Classification: Likely benign. Review status: criteria provided, single submitter. Criteria: ACMG Guidelines, 2015. Collection method: not provided. Allele origin: germline. Inheritance: Autosomal recessive inheritance. Affected: yes.

PreventionGenetics, part of Exact Sciences
Classification: Likely benign for SLC34A1-related condition. Last evaluated: 2023-02-17. Review status: no assertion criteria provided. Collection method: clinical testing. Allele origin: germline. Not counted in ClinVar's aggregate classification.
Comment: This variant is classified as likely benign based on ACMG/AMP sequence variant interpretation guidelines (Richards et al. 2015 PMID: 25741868, with internal and published modifications).

Genetic Services Laboratory, University of Chicago
Classification: Likely benign. Last evaluated: 2022-08-02. Review status: no assertion criteria provided. Collection method: clinical testing. Allele origin: germline. Affected: no. Not counted in ClinVar's aggregate classification.

Department of Biosciences, University of Milan
Classification: Benign for Decreased total neutrophil count; Decreased total lymphocyte count. Review status: no assertion criteria provided. Collection method: research. Allele origin: maternal. Affected: yes. Not counted in ClinVar's aggregate classification.